The following is an entry in ClinVar:

NM_006494.4(ERF):c.301C>T (p.Arg101Trp)

Gene: ERF (ETS2 repressor factor; minus strand). Cytogenetic location: 19q13.2.
Variant type: single nucleotide variant.
Coding change: c.301C>T on transcript NM_006494.4 (MANE Select); coding-DNA position 301, C replaced by T.
Protein change: p.Arg101Trp; replaces arginine 101 with tryptophan.
Molecular consequence: missense variant.
Genome position (GRCh38, 1-based): chr19:42,249,899, G>A on the plus strand (C>T on the coding strand, the complement: ERF is on the minus strand). VCF-style: chr19-42249899-G-A. GRCh37 (hg19) VCF-style: chr19-42754051-G-A.
Other names: c.76C>T, p.Arg26Trp (NM_001301035.2, NM_001308402.2, NM_001312656.2); short protein forms R101W, R26W.
Identifiers: ClinVar variation 3252220 (VCV003252220.2), dbSNP rs769239795.

ClinVar aggregate classification (germline): Uncertain significance (1 of 4 stars; one submission).

Allele frequency attached by ClinVar (database versions not stated): gnomAD exomes below 0.00001; TOPMed 0.00001; ExAC 0.00001.

Submission:

GeneDx
Classification: Uncertain significance. Last evaluated: 2025-11-20. Review status: criteria provided, single submitter. Criteria: GeneDx Variant Classification Process June 2021. Collection method: clinical testing. Allele origin: germline.
Comment: In silico analysis supports that this missense variant has a deleterious effect on protein structure/function; Not observed at significant frequency in large population cohorts (gnomAD); This variant is associated with the following publications: (PMID: 30758909)